The following is an entry in ClinVar:

ClinVar aggregate classification (germline): Uncertain significance (1 of 4 stars; one submission).

Submission:

Labcorp Genetics (formerly Invitae), Labcorp
Classification: Uncertain significance. Last evaluated: 2021-04-05. Review status: criteria provided, single submitter. Criteria: Invitae Variant Classification Sherloc (09022015). Collection method: clinical testing. Allele origin: germline.
Comment: This sequence change replaces proline with alanine at codon 771 of the DHX38 protein (p.Pro771Ala). The proline residue is highly conserved and there is a small physicochemical difference between proline and alanine. In summary, the available evidence is currently insufficient to determine the role of this variant in disease. Therefore, it has been classified as a Variant of Uncertain Significance. Algorithms developed to predict the effect of missense changes on protein structure and function (SIFT, PolyPhen-2, Align-GVGD) all suggest that this variant is likely to be disruptive, but these predictions have not been confirmed by published functional studies and their clinical significance is uncertain. This variant has not been reported in the literature in individuals with DHX38-related conditions. This variant is not present in population databases (ExAC no frequency).

NM_014003.4(DHX38):c.2311C>G (p.Pro771Ala)

Gene: DHX38 (DEAH-box helicase 38; plus strand). Cytogenetic location: 16q22.2.
Variant type: single nucleotide variant.
Coding change: c.2311C>G on transcript NM_014003.4 (MANE Select); coding-DNA position 2311, C replaced by G.
Protein change: p.Pro771Ala; replaces proline 771 with alanine.
Molecular consequence: missense variant.
Genome position (GRCh38, 1-based): chr16:72,105,280, C>G. VCF-style: chr16-72105280-C-G. GRCh37 (hg19) VCF-style: chr16-72139179-C-G.
Other names: short protein forms P771A.
Identifiers: ClinVar variation 1479767 (VCV001479767.8), dbSNP rs2144160870, ClinGen allele CA396711960.